The following is an entry in ClinVar:

NM_006005.3(WFS1):c.2533A>T (p.Ile845Phe)

Gene: WFS1 (wolframin ER transmembrane glycoprotein; plus strand). Cytogenetic location: 4p16.1.
Variant type: single nucleotide variant.
Coding change: c.2533A>T on transcript NM_006005.3 (MANE Select); coding-DNA position 2533, A replaced by T.
Protein change: p.Ile845Phe; replaces isoleucine 845 with phenylalanine.
Molecular consequence: missense variant.
Genome position (GRCh38, 1-based): chr4:6,302,328, A>T. VCF-style: chr4-6302328-A-T. GRCh37 (hg19) VCF-style: chr4-6304055-A-T.
Other names: c.2533A>T, p.Ile845Phe (NM_001145853.1); short protein forms I845F.
Identifiers: ClinVar variation 2715511 (VCV002715511.3), dbSNP rs750278568, ClinGen allele CA356179156.
Genomic context (GRCh38, chr4:6,302,328, plus strand): 5'-TTCAGCACCATCCTGGAGGGCCGCCTGGGCAGCAAGTGGCCTGTCTTCGAGCTCAAGGCC[A>T]TCAGCTGCCTCAACTGCATGGCCCAGCTCTCACCCACCAGGCGGCACGTGAAGATCGAGC-3'
Protein context (NP_005996.2, residues 835-855): SKWPVFELKA[Ile845Phe]SCLNCMAQLS

ClinVar aggregate classification (germline): Uncertain significance (1 of 4 stars; one submission).

Submission:

Labcorp Genetics (formerly Invitae), Labcorp
Classification: Uncertain significance. Last evaluated: 2023-06-15. Review status: criteria provided, single submitter. Criteria: Invitae Variant Classification Sherloc (09022015). Collection method: clinical testing. Allele origin: germline.
Comment: This sequence change replaces isoleucine, which is neutral and non-polar, with phenylalanine, which is neutral and non-polar, at codon 845 of the WFS1 protein (p.Ile845Phe). This variant is not present in population databases (gnomAD no frequency). This variant has not been reported in the literature in individuals affected with WFS1-related conditions. Advanced modeling of protein sequence and biophysical properties (such as structural, functional, and spatial information, amino acid conservation, physicochemical variation, residue mobility, and thermodynamic stability) has been performed at Invitae for this missense variant, however the output from this modeling did not meet the statistical confidence thresholds required to predict the impact of this variant on WFS1 protein function. In summary, the available evidence is currently insufficient to determine the role of this variant in disease. Therefore, it has been classified as a Variant of Uncertain Significance.